The following is an entry in ClinVar:

GRCh38/hg38 16q23.1(chr16:78064581-78164300)x1

Genes: WWOX (WW domain containing oxidoreductase; plus strand), LOC132090427 (Neanderthal introgressed variant-containing enhancer experimental_45838; plus strand), LOC132090428 (Neanderthal introgressed variant-containing enhancer experimental_45974; plus strand), LOC132090429 (Neanderthal introgressed variant-containing enhancer experimental_45980; plus strand), LOC132090888 (Neanderthal introgressed variant-containing enhancer experimental_45804; plus strand). Cytogenetic location: 16q23.1.
Variant type: copy number loss.
Change: copy number 1 (one copy instead of two) of chr16:78,064,581-78,164,300 (99.7 kb, GRCh38 coordinates, 1-based), cytogenetic band 16q23.1.
Identifiers: ClinVar variation 3062161 (VCV003062161.1).

ClinVar aggregate classification (germline): Pathogenic (1 of 4 stars; one submission).

Conditions:
West syndrome. Also called: Infantile epileptic spasms syndrome. Identifiers: Orphanet 3451, Orphanet 697160, MedGen C0037769, MONDO:0018097. Disease mechanism: loss of function.

Submission:

Unidad de Genómica Garrahan, Hospital de Pediatría Garrahan
Classification: Pathogenic for West syndrome. Last evaluated: 2024-01-15. Review status: criteria provided, single submitter. Criteria: ACMG/ClinGen CNV Guidelines, 2019. Collection method: clinical testing. Allele origin: paternal. Inheritance: Autosomal recessive inheritance. Affected: yes.
Comment: GRCh38 16q23.1(chr16:78064581-78164300)x1 This copy number variant (CNV) was initially identified through a Next Generation Sequencing (NGS) gene panel with bioinformatic prediction of CNVs, sequenced on a MiSeq sequencer. Subsequently, it was confirmed by array comparative genomic hybridization (a-CGH, SurePrint G3 Unrestricted CGH ISCA v2, 8x60K oligo-array; Analysis software: Agilent CytoGenomics 5.2.1.4; Equipment: SureScan Microarray Scanner, Agilent Technologies, USA).